The following is an entry in ClinVar:

ClinVar aggregate classification (germline): Uncertain significance (1 of 4 stars; one submission).

Conditions:
GM3 synthase deficiency (SPDRS). Also called: SALT AND PEPPER DEVELOPMENTAL REGRESSION SYNDROME; AMISH INFANTILE EPILEPSY SYNDROME; SALT AND PEPPER MENTAL RETARDATION SYNDROME. Identifiers: Orphanet 171714, Orphanet 370933, MedGen C1836824, MONDO:0018274, OMIM 609056.

Submission:

Labcorp Genetics (formerly Invitae), Labcorp
Classification: Uncertain significance for GM3 synthase deficiency. Last evaluated: 2019-07-25. Review status: criteria provided, single submitter. Criteria: Invitae Variant Classification Sherloc (09022015). Collection method: clinical testing. Allele origin: germline.
Comment: Algorithms developed to predict the effect of missense changes on protein structure and function are either unavailable or do not agree on the potential impact of this missense change (SIFT: "Deleterious"; PolyPhen-2: "Possibly Damaging"; Align-GVGD: "Class C15"). In summary, the available evidence is currently insufficient to determine the role of this variant in disease. Therefore, it has been classified as a Variant of Uncertain Significance. This variant has not been reported in the literature in individuals with ST3GAL5-related conditions. This variant is not present in population databases (ExAC no frequency). This sequence change replaces leucine with phenylalanine at codon 187 of the ST3GAL5 protein (p.Leu187Phe). The leucine residue is highly conserved and there is a small physicochemical difference between leucine and phenylalanine.

NM_003896.4(ST3GAL5):c.561G>C (p.Leu187Phe)

Gene: ST3GAL5 (ST3 beta-galactoside alpha-2,3-sialyltransferase 5; minus strand). Cytogenetic location: 2p11.2.
Variant type: single nucleotide variant.
Coding change: c.561G>C on transcript NM_003896.4 (MANE Select); coding-DNA position 561, G replaced by C.
Protein change: p.Leu187Phe; replaces leucine 187 with phenylalanine.
Molecular consequence: missense variant. On other transcripts: 5 prime UTR variant (1).
Genome position (GRCh38, 1-based): chr2:85,847,962, C>G on the plus strand (G>C on the coding strand, the complement: ST3GAL5 is on the minus strand). VCF-style: chr2-85847962-C-G. GRCh37 (hg19) VCF-style: chr2-86075085-C-G.
Other names: c.492G>C, p.Leu164Phe (NM_001042437.2); c.177G>C, p.Leu59Phe (NM_001354223.2, NM_001354224.2, NM_001354226.2 and 3 more transcripts); c.477G>C, p.Leu159Phe (NM_001354227.2, NM_001354229.2, NM_001354238.1); c.-344G>C (NM_001354247.1); c.561G>C, p.Leu187Phe (NM_001363847.1); short protein forms L59F, L164F, L187F, L159F.
Identifiers: ClinVar variation 959457 (VCV000959457.10), dbSNP rs1683013552, ClinGen allele CA347532039.